The following is an entry in ClinVar:

NM_000540.3(RYR1):c.6523_6527delinsTCT (p.Glu2175fs)

Gene: RYR1 (ryanodine receptor 1; plus strand). Cytogenetic location: 19q13.2.
Variant type: Indel.
Coding change: c.6523_6527delinsTCT on transcript NM_000540.3 (MANE Select); coding-DNA positions 6523 to 6527, GAGAA replaced by TCT.
Protein change: p.Glu2175fs; shifts the reading frame from glutamic acid 2175.
Molecular consequence: frameshift variant.
Genome position (GRCh38, 1-based): chr19:38,494,600-38,494,604, GAGAA replaced by TCT. VCF-style: chr19-38494600-GAGAA-TCT. GRCh37 (hg19) VCF-style: chr19-38985240-GAGAA-TCT.
Other names: c.6523_6527delinsTCT, p.Glu2175fs (NM_001042723.2); short protein forms E2175fs.
Identifiers: ClinVar variation 3906966 (VCV003906966.2).

ClinVar aggregate classification (germline): Likely pathogenic (1 of 4 stars; one submission).

Conditions:
Congenital multicore myopathy with external ophthalmoplegia (CMYO1B). Also called: Congenital myopathy 1B, autosomal recessive; Minicore myopathy; MULTICORE MYOPATHY; Minicore myopathy with external ophthalmoplegia; MULTIMINICORE DISEASE WITH EXTERNAL OPHTHALMOPLEGIA. Identifiers: Orphanet 598, Orphanet 98905, MedGen C1850674, MONDO:0009712, OMIM 255320, HP:0003789.

Submission:

Juno Genomics, Hangzhou Juno Genomics, Inc
Classification: Likely pathogenic for Congenital multicore myopathy with external ophthalmoplegia. Review status: criteria provided, single submitter. Criteria: ACMG Guidelines, 2015. Collection method: clinical testing. Allele origin: germline. Affected: yes.
Comment: Absent from controls (or at extremely low frequency if recessive) in Genome Aggregation Database, Exome Sequencing Project, 1000 Genomes Project, or Exome Aggregation Consortium.;Null variant in a gene where loss of function (LOF) is a known mechanism of disease.